The following is an entry in ClinVar:

NM_000264.5(PTCH1):c.2138C>T (p.Ser713Phe)

Genes: PTCH1 (patched 1; minus strand), LOC100507346 (uncharacterized LOC100507346; plus strand). Cytogenetic location: 9q22.32.
Variant type: single nucleotide variant.
Coding change: c.2138C>T on transcript NM_000264.5 (MANE Select); coding-DNA position 2138, C replaced by T.
Protein change: p.Ser713Phe; replaces serine 713 with phenylalanine.
Molecular consequence: missense variant. On other transcripts: non-coding transcript variant (2).
Genome position (GRCh38, 1-based): chr9:95,468,863, G>A on the plus strand (C>T on the coding strand, the complement: PTCH1 is on the minus strand). VCF-style: chr9-95468863-G-A. GRCh37 (hg19) VCF-style: chr9-98231145-G-A.
Other names: c.1940C>T, p.Ser647Phe (NM_001083602.3); c.2135C>T, p.Ser712Phe (NM_001083603.3); c.1685C>T, p.Ser562Phe (NM_001083604.3, NM_001083605.3, NM_001083606.3 and 1 more transcripts); c.1982C>T, p.Ser661Phe (NM_001354918.2); short protein forms S562F, S647F, S661F, S712F, S713F.
Identifiers: ClinVar variation 2689837 (VCV002689837.5), dbSNP rs1554694963, ClinGen allele CA374115576.

ClinVar aggregate classification (germline): Uncertain significance. Review status: criteria provided, multiple submitters, no conflicts (2 of 4 stars). 4 submissions from 4 submitters: Uncertain significance (4). Last evaluated 2025-12-29.

Conditions:
Gorlin syndrome. Also called: Nevoid Basal Cell Carcinoma Syndrome; Basal cell nevus syndrome. Identifiers: Orphanet 377, MedGen C0004779, MONDO:0007187.
Hereditary cancer-predisposing syndrome. Also called: Tumor predisposition; Hereditary neoplastic syndrome; Neoplastic Syndromes, Hereditary; Hereditary Cancer Syndrome. Identifiers: Orphanet 140162, MedGen C0027672, MeSH D009386, MONDO:0015356.

Submissions (4):

Center for Genomic Medicine, Rigshospitalet, Copenhagen University Hospital
Classification: Uncertain significance. Last evaluated: 2025-12-29. Review status: criteria provided, single submitter. Criteria: ACMG Guidelines, 2015. Collection method: clinical testing. Allele origin: germline.
Comment: Classification criteria: PM2_Supporting, PP3

Labcorp Genetics (formerly Invitae), Labcorp
Classification: Uncertain significance for Gorlin syndrome. Last evaluated: 2025-11-09. Review status: criteria provided, single submitter. Criteria: Invitae Variant Classification Sherloc (09022015). Collection method: clinical testing. Allele origin: germline.
Comment: This sequence change replaces serine, which is neutral and polar, with phenylalanine, which is neutral and non-polar, at codon 713 of the PTCH1 protein (p.Ser713Phe). This variant is not present in population databases (gnomAD no frequency). This variant has not been reported in the literature in individuals affected with PTCH1-related conditions. ClinVar contains an entry for this variant (Variation ID: 2689837). Invitae Evidence Modeling of protein sequence and biophysical properties (such as structural, functional, and spatial information, amino acid conservation, physicochemical variation, residue mobility, and thermodynamic stability) has been performed for this missense variant. However, the output from this modeling did not meet the statistical confidence thresholds required to predict the impact of this variant on PTCH1 protein function. In summary, the available evidence is currently insufficient to determine the role of this variant in disease. Therefore, it has been classified as a Variant of Uncertain Significance.

Ambry Genetics
Classification: Uncertain significance for Hereditary cancer-predisposing syndrome. Last evaluated: 2024-10-29. Review status: criteria provided, single submitter. Criteria: Ambry Variant Classification Scheme 2023. Collection method: clinical testing. Allele origin: germline.
Comment: The p.S713F variant (also known as c.2138C>T), located in coding exon 14 of the PTCH1 gene, results from a C to T substitution at nucleotide position 2138. The serine at codon 713 is replaced by phenylalanine, an amino acid with highly dissimilar properties. This amino acid position is highly conserved in available vertebrate species. In addition, this alteration is predicted to be deleterious by in silico analysis. Based on the available evidence, the clinical significance of this variant remains unclear.

Revvity Omics, Revvity
Classification: Uncertain significance. Last evaluated: 2023-03-01. Review status: criteria provided, single submitter. Criteria: ACMG Guidelines, 2015. Collection method: clinical testing. Allele origin: germline.